The following is an entry in ClinVar:

NM_005245.4(FAT1):c.6209T>C (p.Ile2070Thr)

Gene: FAT1 (FAT atypical cadherin 1; minus strand). Cytogenetic location: 4q35.2.
Variant type: single nucleotide variant.
Coding change: c.6209T>C on transcript NM_005245.4 (MANE Select); coding-DNA position 6209, T replaced by C.
Protein change: p.Ile2070Thr; replaces isoleucine 2070 with threonine.
Molecular consequence: missense variant.
Genome position (GRCh38, 1-based): chr4:186,620,377, A>G on the plus strand (T>C on the coding strand, the complement: FAT1 is on the minus strand). VCF-style: chr4-186620377-A-G. GRCh37 (hg19) VCF-style: chr4-187541531-A-G.
Other names: c.6209T>C (NM_005245.3); short protein forms I2070T.
Identifiers: ClinVar variation 2190993 (VCV002190993.4), dbSNP rs1021583788, ClinGen allele CA112156808.
Genomic context (GRCh38, chr4:186,620,377, plus strand): 5'-ACAACGGCGTAGTAGGGAAGGTTGACAAACACCGGCGCATTATCATTTTGGTCTTCTACA[A>G]TGACCTTCACGACAACGTGGGCCACTGCAGAAGGCTTATGTTCCTCTGTCACTTCTACAA-3'
Protein context (NP_005236.2, residues 2060-2080): SAVAHVVVKV[Ile2070Thr]VEDQNDNAPV

ClinVar aggregate classification (germline): Conflicting classifications of pathogenicity. Review status: criteria provided, conflicting classifications (1 of 4 stars). 2 submissions from 2 submitters: Uncertain significance (1); Likely benign (1). Last evaluated 2025-06-12.

Conditions:
Inborn genetic diseases. Identifiers: MedGen C0950123, MeSH D030342.

Allele frequency attached by ClinVar (database versions not stated): gnomAD exomes below 0.00001; TOPMed 0.00003.
gnomAD v4.1: 2 of 1,614,038 alleles (0.00012%); highest among the groups gnomAD compares: Admixed American, 0.0017%; no homozygotes.

Submissions (2):

Labcorp Genetics (formerly Invitae), Labcorp
Classification: Uncertain significance. Last evaluated: 2025-06-12. Review status: criteria provided, single submitter. Criteria: Invitae Variant Classification Sherloc (09022015). Collection method: clinical testing. Allele origin: germline.
Comment: This sequence change replaces isoleucine, which is neutral and non-polar, with threonine, which is neutral and polar, at codon 2070 of the FAT1 protein (p.Ile2070Thr). This variant is not present in population databases (gnomAD no frequency). This variant has not been reported in the literature in individuals affected with FAT1-related conditions. ClinVar contains an entry for this variant (Variation ID: 2190993). Invitae Evidence Modeling of protein sequence and biophysical properties (such as structural, functional, and spatial information, amino acid conservation, physicochemical variation, residue mobility, and thermodynamic stability) indicates that this missense variant is not expected to disrupt FAT1 protein function with a negative predictive value of 80%. In summary, the available evidence is currently insufficient to determine the role of this variant in disease. Therefore, it has been classified as a Variant of Uncertain Significance.

Ambry Genetics
Classification: Likely benign for Inborn genetic diseases. Last evaluated: 2024-11-26. Review status: criteria provided, single submitter. Criteria: Ambry Variant Classification Scheme 2023. Collection method: clinical testing. Allele origin: germline.